The following is an entry in ClinVar:

NM_000158.4(GBE1):c.1712A>T (p.Asp571Val)

Gene: GBE1 (1,4-alpha-glucan branching enzyme 1; minus strand). Cytogenetic location: 3p12.2.
Variant type: single nucleotide variant.
Coding change: c.1712A>T on transcript NM_000158.4 (MANE Select); coding-DNA position 1712, A replaced by T.
Protein change: p.Asp571Val; replaces aspartic acid 571 with valine.
Molecular consequence: missense variant.
Genome position (GRCh38, 1-based): chr3:81,537,002, T>A on the plus strand (A>T on the coding strand, the complement: GBE1 is on the minus strand). VCF-style: chr3-81537002-T-A. GRCh37 (hg19) VCF-style: chr3-81586153-T-A.
Other names: short protein forms D571V.
Identifiers: ClinVar variation 1964074 (VCV001964074.5), dbSNP rs941646149, ClinGen allele CA78280346.
Genomic context (GRCh38, chr3:81,537,002, plus strand): 5'-TCCAATCTATTCATATCCCTGTCAAAATTATTTAGGAACTTGTAGCGAAGAAGGTCGTCG[T>A]CAGTTAAATGAAACTGCCGCCTGGCATAATGGTAACTCTCATTATTTCCTTTTCTTGGGA-3'
Protein context (NP_000149.4, residues 561-581): HYARRQFHLT[Asp571Val]DDLLRYKFLN

ClinVar aggregate classification (germline): Uncertain significance (1 of 4 stars; one submission).

Conditions:
Glycogen storage disease IV, classic hepatic. Also called: GSD IV, CLASSIC HEPATIC. Identifiers: MedGen C1856301.
Glycogen storage disease, type IV (GSD4). Also called: AMYLOPECTINOSIS; ANDERSEN DISEASE; BRANCHER DEFICIENCY; CIRRHOSIS, FAMILIAL, WITH DEPOSITION OF ABNORMAL GLYCOGEN; GBE1 DEFICIENCY; GLYCOGEN BRANCHING ENZYME DEFICIENCY. Identifiers: Orphanet 367, MedGen C0017923, MONDO:0009292, OMIM 232500.

Submission:

Labcorp Genetics (formerly Invitae), Labcorp
Classification: Uncertain significance for Glycogen storage disease, type IV; Glycogen storage disease IV, classic hepatic. Last evaluated: 2022-08-19. Review status: criteria provided, single submitter. Criteria: Invitae Variant Classification Sherloc (09022015). Collection method: clinical testing. Allele origin: germline.
Comment: In summary, the available evidence is currently insufficient to determine the role of this variant in disease. Therefore, it has been classified as a Variant of Uncertain Significance. Algorithms developed to predict the effect of missense changes on protein structure and function are either unavailable or do not agree on the potential impact of this missense change (SIFT: "Not Available"; PolyPhen-2: "Probably Damaging"; Align-GVGD: "Not Available"). This variant has not been reported in the literature in individuals affected with GBE1-related conditions. This variant is not present in population databases (gnomAD no frequency). This sequence change replaces aspartic acid, which is acidic and polar, with valine, which is neutral and non-polar, at codon 571 of the GBE1 protein (p.Asp571Val).